The following is an entry in ClinVar:

NM_001035.3(RYR2):c.4935dup (p.Glu1646fs)

Gene: RYR2 (ryanodine receptor 2; plus strand). Cytogenetic location: 1q43.
Variant type: Duplication.
Coding change: c.4935dup on transcript NM_001035.3 (MANE Select); coding-DNA position 4935, one base duplicated (A; older notation c.4935dupA).
Protein change: p.Glu1646fs; shifts the reading frame from glutamic acid 1646.
Molecular consequence: frameshift variant.
Genome position (GRCh38, 1-based): chr1:237,614,063, A duplicated. VCF-style (leftmost placement, unchanged base first): chr1-237614062-C-CA. GRCh37 (hg19) VCF-style: chr1-237777362-C-CA.
Other names: short protein forms E1646fs.
Identifiers: ClinVar variation 2017106 (VCV002017106.4), dbSNP rs2546789806, ClinGen allele CA2580062397.
Genomic context (GRCh38, chr1:237,614,062, plus strand): 5'-ATTTCTAATCTTACTACCACTCTCCTCCCTTCTACAGATCTGTTGACATCTTAGAGTTGA[C>CA]AGAGCAGGAGGAATTGCTGAAATTTCACTATCACACTCTCCGGCTCTACTCAGCCGTCTG-3'

ClinVar aggregate classification (germline): Uncertain significance (1 of 4 stars; one submission).

Conditions:
Catecholaminergic polymorphic ventricular tachycardia 1. Also called: RYR2-Related Catecholaminergic Polymorphic Ventricular Tachycardia; VENTRICULAR TACHYCARDIA, CATECHOLAMINERGIC POLYMORPHIC, 1, WITH OR WITHOUT ATRIAL DYSFUNCTION AND/OR DILATED CARDIOMYOPATHY; VENTRICULAR TACHYCARDIA, STRESS-INDUCED POLYMORPHIC 1. Identifiers: Orphanet 3286, MedGen C1631597, MONDO:0011484, OMIM 604772.

Submission:

Labcorp Genetics (formerly Invitae), Labcorp
Classification: Uncertain significance for Catecholaminergic polymorphic ventricular tachycardia 1. Last evaluated: 2022-07-14. Review status: criteria provided, single submitter. Criteria: Invitae Variant Classification Sherloc (09022015). Collection method: clinical testing. Allele origin: germline.
Comment: This variant has not been reported in the literature in individuals affected with RYR2-related conditions. This variant is not present in population databases (gnomAD no frequency). This sequence change creates a premature translational stop signal (p.Glu1646Argfs*37) in the RYR2 gene. It is expected to result in an absent or disrupted protein product. However, the current clinical and genetic evidence is not sufficient to establish whether loss-of-function variants in RYR2 cause disease. In summary, the available evidence is currently insufficient to determine the role of this variant in disease. Therefore, it has been classified as a Variant of Uncertain Significance.